The following is an entry in ClinVar:

NM_001378615.1(CC2D2A):c.3546G>A (p.Trp1182Ter)

Genes: CC2D2A (coiled-coil and C2 domain containing 2A; plus strand), FBXL5 (F-box and leucine rich repeat protein 5; minus strand). Cytogenetic location: 4p15.32.
Variant type: single nucleotide variant.
Coding change: c.3546G>A on transcript NM_001378615.1 (MANE Select); coding-DNA position 3546, G replaced by A.
Protein change: p.Trp1182Ter; replaces tryptophan 1182 with a stop codon.
Molecular consequence: nonsense.
Genome position (GRCh38, 1-based): chr4:15,570,448, G>A. VCF-style: chr4-15570448-G-A. GRCh37 (hg19) VCF-style: chr4-15572071-G-A.
Other names: c.3546G>A, p.Trp1182Ter (NM_001080522.2); c.3399G>A, p.Trp1133Ter (NM_001378617.1); short protein forms W1133*, W1182*.
Identifiers: ClinVar variation 5015675 (VCV005015675.1).

ClinVar aggregate classification (germline): Pathogenic (1 of 4 stars; one submission).

Conditions:
Joubert syndrome and related disorders. Identifiers: Orphanet 140874, MedGen C5679612, MONDO:0015369.

Submission:

Myriad Genetics, Inc.
Classification: Pathogenic for Joubert syndrome and related disorders. Last evaluated: 2026-03-14. Review status: criteria provided, single submitter. Criteria: Myriad Autosomal Dominant, Autosomal Recessive and X-Linked Classification Criteria (2023). Collection method: clinical testing. Allele origin: unknown.
Comment: NM_001080522.2(CC2D2A):c.3546G>A(W1182*) is expected to be pathogenic in the context of CC2D2A-related disorders. This variant is predicted to lead to an abnormal or absent protein product due to the creation of a premature termination codon in CC2D2A, a gene where loss-of-function variants are known to be pathogenic. Please note: this variant was assessed in the context of healthy population screening.